The following is an entry in ClinVar:

ClinVar aggregate classification (germline): Uncertain significance (1 of 4 stars; one submission).

Conditions:
Brugada syndrome 8 (BRGDA8). Identifiers: Orphanet 130, MedGen C2751083, MONDO:0013148, OMIM 613123.

gnomAD v4.1: 3 of 1,614,158 alleles (0.00019%); highest among the groups gnomAD compares: South Asian, 0.0022%; no homozygotes.

Submission:

Labcorp Genetics (formerly Invitae), Labcorp
Classification: Uncertain significance for Brugada syndrome 8. Last evaluated: 2025-02-15. Review status: criteria provided, single submitter. Criteria: Invitae Variant Classification Sherloc (09022015). Collection method: clinical testing. Allele origin: germline.
Comment: This sequence change replaces valine, which is neutral and non-polar, with leucine, which is neutral and non-polar, at codon 319 of the HCN4 protein (p.Val319Leu). This variant is not present in population databases (gnomAD no frequency). This variant has not been reported in the literature in individuals affected with HCN4-related conditions. Invitae Evidence Modeling of protein sequence and biophysical properties (such as structural, functional, and spatial information, amino acid conservation, physicochemical variation, residue mobility, and thermodynamic stability) has been performed for this missense variant. However, the output from this modeling did not meet the statistical confidence thresholds required to predict the impact of this variant on HCN4 protein function. In summary, the available evidence is currently insufficient to determine the role of this variant in disease. Therefore, it has been classified as a Variant of Uncertain Significance.

NM_005477.3(HCN4):c.955G>T (p.Val319Leu)

Genes: HCN4 (hyperpolarization activated cyclic nucleotide gated potassium channel 4; minus strand), LOC105370890 (uncharacterized LOC105370890; plus strand), LOC126862173 (CDK7 strongly-dependent group 2 enhancer GRCh37_chr15:73635762-73636961; plus strand). Cytogenetic location: 15q24.1.
Variant type: single nucleotide variant.
Coding change: c.955G>T on transcript NM_005477.3 (MANE Select); coding-DNA position 955, G replaced by T.
Protein change: p.Val319Leu; replaces valine 319 with leucine.
Molecular consequence: missense variant.
Genome position (GRCh38, 1-based): chr15:73,343,639, C>A on the plus strand (G>T on the coding strand, the complement: HCN4 is on the minus strand). VCF-style: chr15-73343639-C-A. GRCh37 (hg19) VCF-style: chr15-73635980-C-A.
Other names: short protein forms V319L.
Identifiers: ClinVar variation 4709081 (VCV004709081.1).